The following is an entry in ClinVar:

NM_002778.4(PSAP):c.1297del (p.Leu433fs)

Gene: PSAP (prosaposin; minus strand). Cytogenetic location: 10q22.1.
Variant type: Deletion.
Coding change: c.1297del on transcript NM_002778.4 (MANE Select); coding-DNA position 1297, one base deleted (C; older notation c.1297delC).
Protein change: p.Leu433fs; shifts the reading frame from leucine 433.
Molecular consequence: frameshift variant.
Genome position (GRCh38, 1-based): chr10:71,819,518, G deleted on the plus strand (C on the coding strand, the reverse complement: PSAP is on the minus strand); the first of 2 consecutive G bases (chr10:71,819,518-71,819,519); deleting either gives the same sequence. VCF-style (leftmost placement, unchanged base first): chr10-71819517-AG-A. GRCh37 (hg19) VCF-style: chr10-73579274-AG-A.
Other names: c.1306del, p.Leu436fs (NM_001042465.3); c.1303del, p.Leu435fs (NM_001042466.3); short protein forms L433fs, L435fs, L436fs.
Identifiers: ClinVar variation 4815075 (VCV004815075.1).

ClinVar aggregate classification (germline): Likely pathogenic (1 of 4 stars; one submission).

Conditions:
Metachromatic leukodystrophy (MLD). Also called: Cerebral sclerosis diffuse metachromatic form; Arylsulfatase A Deficiency; ARSA DEFICIENCY; CEREBROSIDE SULFATASE DEFICIENCY; METACHROMATIC LEUKOENCEPHALOPATHY; SULFATIDE LIPIDOSIS. Identifiers: Orphanet 512, MedGen C0023522, MONDO:0018868, OMIM 250100.

Submission:

Natera, Inc.
Classification: Likely pathogenic for Metachromatic leukodystrophy. Last evaluated: 2025-11-23. Review status: criteria provided, single submitter. Criteria: Natera Variant Classification Schema (03/2026). Collection method: clinical testing. Allele origin: germline.
Comment: The c.1297del variant in PSAP is a frameshift variant predicted to shift the reading frame beginning at codon 433 and leads to a stop codon 30 codons downstream. This variant is expected to result in nonsense mediated decay, truncation, or a dysfunctional protein product. This variant is rare in the general population with a frequency below the threshold expected for the associated phenotype(s). Given the available evidence, this variant is classified as Likely Pathogenic.